The following is an entry in ClinVar:

NM_019594.4(LRRC8A):c.1525C>T (p.Pro509Ser)

Gene: LRRC8A (leucine rich repeat containing 8 VRAC subunit A; plus strand). Cytogenetic location: 9q34.11.
Variant type: single nucleotide variant.
Coding change: c.1525C>T on transcript NM_019594.4 (MANE Select); coding-DNA position 1525, C replaced by T.
Protein change: p.Pro509Ser; replaces proline 509 with serine.
Molecular consequence: missense variant.
Genome position (GRCh38, 1-based): chr9:128,908,689, C>T. VCF-style: chr9-128908689-C-T. GRCh37 (hg19) VCF-style: chr9-131670968-C-T.
Other names: c.1525C>T, p.Pro509Ser (NM_001127244.2, NM_001127245.2); short protein forms P509S.
Identifiers: ClinVar variation 3633074 (VCV003633074.2).

ClinVar aggregate classification (germline): Uncertain significance (1 of 4 stars; one submission).

Submission:

Labcorp Genetics (formerly Invitae), Labcorp
Classification: Uncertain significance. Last evaluated: 2024-01-21. Review status: criteria provided, single submitter. Criteria: Invitae Variant Classification Sherloc (09022015). Collection method: clinical testing. Allele origin: germline.
Comment: This sequence change replaces proline, which is neutral and non-polar, with serine, which is neutral and polar, at codon 509 of the LRRC8A protein (p.Pro509Ser). This variant is not present in population databases (gnomAD no frequency). This variant has not been reported in the literature in individuals affected with LRRC8A-related conditions. An algorithm developed to predict the effect of missense changes on protein structure and function (PolyPhen-2) suggests that this variant is likely to be disruptive. In summary, the available evidence is currently insufficient to determine the role of this variant in disease. Therefore, it has been classified as a Variant of Uncertain Significance.